The following is an entry in ClinVar:

ClinVar aggregate classification (germline): Pathogenic/Likely pathogenic. Review status: criteria provided, multiple submitters, no conflicts (2 of 4 stars). 13 submissions from 13 submitters: Pathogenic (9); Likely pathogenic (2). 2 of the submissions do not count toward it. Last evaluated 2026-07-02.

Conditions:
BBS2-related disorder. Also called: BBS2-related disorders; BBS2-related condition. Identifiers: MedGen CN239228.
Bardet-Biedl syndrome (BBS). Identifiers: Orphanet 110, MedGen C0752166, MONDO:0015229.
Bardet-Biedl syndrome 2 (BBS2). Identifiers: Orphanet 110, MedGen C2936863, MONDO:0014432, OMIM 615981.
Retinitis pigmentosa 74 (RP74). Identifiers: Orphanet 791, MedGen C4225281, MONDO:0014692, OMIM 616562.

Allele frequency attached by ClinVar (database versions not stated): gnomAD 0.00003 and 0.00004; TOPMed 0.00003; gnomAD exomes 0.00010; ExAC 0.00012.
gnomAD v4.1: 21 of 1,613,898 alleles (0.0013%); highest among the groups gnomAD compares: East Asian, 0.045%; no homozygotes.

Submissions (13):

PreventionGenetics, part of Exact Sciences
Classification: Pathogenic for BBS2-related condition. Last evaluated: 2026-07-02. Review status: criteria provided, single submitter. Criteria: ACMG Guidelines, 2015. Collection method: clinical testing. Allele origin: germline.
Comment: The BBS2 c.534+1G>T variant is predicted to disrupt the GT donor site and interfere with normal splicing. This variant has been documented to be causative for Bardet-Biedl syndrome (see, for example, Deng et al. 2022. PubMed ID: 35065907; Huang et al. 2021. PubMed ID: 33520300; supplementary data, Lin et al. 2024. PubMed ID: 38219857; Meng et al. 2021. PubMed ID: 33777945). This variant is reported in 0.15% of alleles in individuals of East Asian descent in gnomAD. Variants that disrupt the consensus splice donor site in BBS2 are expected to be pathogenic. This variant is interpreted as pathogenic.

Natera, Inc.
Classification: Pathogenic for Bardet-Biedl syndrome type 2. Last evaluated: 2025-12-19. Review status: criteria provided, single submitter. Criteria: Natera Variant Classification Schema (03/2026). Collection method: clinical testing. Allele origin: germline.
Comment: The c.534+1G>T variant in BBS2 is a canonical splice donor site variant predicted to affect pre-mRNA splicing, which may result in an abnormal transcript and altered protein product. This variant may result in a truncated or dysfunctional protein product. The frequency of this variant in the general population is greater than expected for disorder. This variant has been observed in one or more individuals affected with the associated recessive disease, as either homozygous or compound heterozygous with a second variant (PMID: 24280758, 36325687, 11567139, 33777945, 30076350, 33520300). Additionally, this variant has been observed to segregate in affected family members (PMID: 24280758). Given the available evidence, this variant is classified as Pathogenic.

Labcorp Genetics (formerly Invitae), Labcorp
Classification: Pathogenic for Bardet-Biedl syndrome. Last evaluated: 2025-11-05. Review status: criteria provided, single submitter. Criteria: Invitae Variant Classification Sherloc (09022015). Collection method: clinical testing. Allele origin: germline.
Comment: This sequence change affects a donor splice site in intron 4 of the BBS2 gene. It is expected to disrupt RNA splicing. Variants that disrupt the donor or acceptor splice site typically lead to a loss of protein function (PMID: 16199547), and loss-of-function variants in BBS2 are known to be pathogenic (PMID: 11285252, 20177705, 24608809, 26518167). This variant is present in population databases (rs773862084, gnomAD 0.1%). Disruption of this splice site has been observed in individual(s) with Bardet-Biedl syndrome (internal data). ClinVar contains an entry for this variant (Variation ID: 553927). Algorithms developed to predict the effect of sequence changes on RNA splicing suggest that this variant may disrupt the consensus splice site. For these reasons, this variant has been classified as Pathogenic.

SingHealth Duke-NUS Institute of Precision Medicine
Classification: Likely pathogenic for Bardet-Biedl syndrome 2. Last evaluated: 2025-02-05. Review status: criteria provided, single submitter. Criteria: PRISM ACMG Classification Criteria. Collection method: clinical testing. Allele origin: germline. Affected: yes.
Comment: Variant is predicted to cause nonsense-mediated decay in a gene where LOF is a known cause of pathogenicity (PVS1). Homozygous allele count in gnomAD genomes or exomes are less than 0 (PM2).

Fulgent Genetics
Classification: Pathogenic for Bardet-Biedl syndrome 2; Retinitis pigmentosa 74. Last evaluated: 2024-03-18. Review status: criteria provided, single submitter. Criteria: ACMG Guidelines, 2015. Collection method: clinical testing. Allele origin: germline.

Baylor Genetics
Classification: Pathogenic for Bardet-Biedl syndrome 2. Last evaluated: 2024-03-16. Review status: criteria provided, single submitter. Criteria: ACMG Guidelines, 2015. Collection method: clinical testing. Allele origin: unknown.

3billion
Classification: Pathogenic for Bardet-Biedl syndrome 2. Last evaluated: 2022-05-22. Review status: criteria provided, single submitter. Criteria: ACMG Guidelines, 2015. Collection method: clinical testing. Allele origin: germline. Affected: yes. Observed: 1 homozygote.
Comment: The variant is observed at an extremely low frequency in the gnomAD v2.1.1 dataset (total allele frequency: 0.010%). Canonical splice site: predicted to alter splicing and result in a loss or disruption of normal protein function. Multiple pathogenic loss-of-function variants are reported downstream of the variant. The variant has been reported at least twice as pathogenic with clinical assertions and evidence for the classification (ClinVar ID: VCV000553927). Therefore, this variant is classified as pathogenic according to the recommendation of ACMG/AMP guideline.

Myriad Genetics, Inc.
Classification: Pathogenic for Bardet-Biedl syndrome 2. Last evaluated: 2021-11-03. Review status: criteria provided, single submitter. Criteria: Myriad Women's Health Autosomal Recessive and X-Linked Classification Criteria (2021). Collection method: clinical testing. Allele origin: unknown.
Comment: NM_031885.3(BBS2):c.534+1G>T is a canonical splice variant classified as pathogenic in the context of Bardet-Biedl syndrome, BBS2-related. c.534+1G>T has been observed in cases with relevant disease (PMID: 24280758, 33520300, 33777945). Functional assessments of this variant are not available in the literature. c.534+1G>T has been observed in population frequency databases (gnomAD: EAS 0.14%). In summary, NM_031885.3(BBS2):c.534+1G>T is a canonical splice variant that has been observed more frequently in cases with the relevant disease than in healthy populations. Please note: this variant was assessed in the context of healthy population screening.

Revvity Omics, Revvity
Classification: Likely pathogenic. Last evaluated: 2021-08-25. Review status: criteria provided, single submitter. Criteria: ACMG Guidelines, 2015. Collection method: clinical testing. Allele origin: germline.

Blueprint Genetics
Classification: Pathogenic for BBS2-related disorders. Last evaluated: 2019-11-26. Review status: criteria provided, single submitter. Criteria: ACMG Guidelines, 2015. Collection method: clinical testing. Allele origin: germline. Affected: yes. Observed: 4 variant alleles.

Juno Genomics, Hangzhou Juno Genomics, Inc
Classification: Pathogenic for Bardet-Biedl syndrome 2; Retinitis pigmentosa 74. Review status: criteria provided, single submitter. Criteria: ACMG Guidelines, 2015. Collection method: clinical testing. Allele origin: germline.
Comment: Absent from controls (or at extremely low frequency if recessive) in Genome Aggregation Database.;Null variant in a gene where loss of function (LOF) is a known mechanism of disease.;For recessive disorders, detected in trans with a pathogenic variant.;Patient's phenotype or family history is highly specific for a disease with a single genetic etiology.

Department of Pediatrics, National Cheng-Kung University Hospital
Classification: Pathogenic for Bardet-Biedl syndrome 2. Review status: no assertion criteria provided. Collection method: clinical testing. Allele origin: germline. Inheritance: Autosomal recessive inheritance. Affected: yes. Not counted in ClinVar's aggregate classification.
Comment: The c.534+1 G>T variant in BBS2 has been previously reported in BBS2 patients in several studies investigating syndromic ciliopathy. The variant was found in several of our patients with obesity, visual impairment, polydactyly, and renal disease, which are compatible with the BBS2 phenotype. Until now, there has not been an in vitro functional study to indicate the variant’s pathogenicity. However, it is a splice site mutation predicted to cause exon skipping, and multiple computational predictive software support its pathogenicity. In summary, the c.534+1 G>T variant in BBS2 meets the criteria of ACMG/AMP guidelines to be classified as pathogenic based on the clinical information.

Department of Traditional Chinese Medicine, Fujian Provincial Hospital
Classification: Likely pathogenic for Bardet-Biedl syndrome 2. Review status: no assertion criteria provided. Collection method: literature only. Allele origin: biparental. Inheritance: Autosomal recessive inheritance. Not counted in ClinVar's aggregate classification.
Comment: This gene is a member of the Bardet-Biedl syndrome (BBS) gene family. Bardet-Biedl syndrome is a rare, autosomal recessive inherited, genetic syndrome, which involves multiple systems with diverse clinical manifestations, high disability rate and poor prognosis characterized by severe pigmentary retinopathy, obesity, polydactyly, renal malformation and cognitive disability. Sequencing of the RT-PCR products from the proband’s blood sample reveals a 824-nucleotide (nt) insertion exists at the junction between exons 4 and 5 of the BBS2 cDNA.

Literature cited by the submitters: PubMed 24280758 (cited by Natera, Inc. and Myriad Genetics, Inc.); PubMed 36325687 (cited by Natera, Inc.); PubMed 11567139 (cited by Natera, Inc.); PubMed 33777945 (cited by Natera, Inc. and Myriad Genetics, Inc.); PubMed 30076350 (cited by Natera, Inc.); PubMed 33520300 (cited by Natera, Inc. and Myriad Genetics, Inc.); PubMed 16199547 (cited by Labcorp Genetics (formerly Invitae), Labcorp); PubMed 11285252 (cited by Labcorp Genetics (formerly Invitae), Labcorp); PubMed 20177705 (cited by Labcorp Genetics (formerly Invitae), Labcorp); PubMed 24608809 (cited by Labcorp Genetics (formerly Invitae), Labcorp); PubMed 26518167 (cited by Labcorp Genetics (formerly Invitae), Labcorp); DOI 10.1155/2021/6751857 (cited by Department of Traditional Chinese Medicine, Fujian Provincial Hospital); DOI 10.3389/fcell.2021.635216 (cited by Department of Traditional Chinese Medicine, Fujian Provincial Hospital); DOI 10.1038/gim.2017.37 (cited by Department of Traditional Chinese Medicine, Fujian Provincial Hospital).

NM_031885.5(BBS2):c.534+1G>T

Gene: BBS2 (Bardet-Biedl syndrome 2; minus strand). Cytogenetic location: 16q13.
Variant type: single nucleotide variant.
Coding change: c.534+1G>T on transcript NM_031885.5 (MANE Select); the canonical splice donor site of the intron after coding-DNA position 534, G replaced by T.
Molecular consequence: splice donor variant.
Genome position (GRCh38, 1-based): chr16:56,510,858, C>A on the plus strand (G>T on the coding strand, the complement: BBS2 is on the minus strand). VCF-style: chr16-56510858-C-A. GRCh37 (hg19) VCF-style: chr16-56544770-C-A.
Other names: c.534+1G>T (NM_001377456.1).
Identifiers: ClinVar variation 553927 (VCV000553927.36), dbSNP rs773862084, ClinGen allele CA8066019.